The following is an entry in ClinVar:

NM_000077.5(CDKN2A):c.150G>A (p.Gln50=)

Gene: CDKN2A (cyclin dependent kinase inhibitor 2A; minus strand). Cytogenetic location: 9p21.3.
Variant type: single nucleotide variant.
Coding change: c.150G>A on transcript NM_000077.5; coding-DNA position 150, G replaced by A.
Protein change: p.Gln50=; no amino-acid change (glutamine 50 retained).
Molecular consequence: synonymous variant (on NM_000077.6). On other transcripts: intron variant (2).
Genome position (GRCh38, 1-based): chr9:21,974,678, C>T on the plus strand (G>A on the coding strand, the complement: CDKN2A is on the minus strand). VCF-style: chr9-21974678-C-T. GRCh37 (hg19) VCF-style: chr9-21974677-C-T.
Other names: c.150G>A, p.Gln50= (NM_000077.6, NM_001195132.2, NM_058197.5); c.-3-3470G>A (NM_001363763.2); c.194-3470G>A (NM_058195.4).
Identifiers: ClinVar variation 2862448 (VCV002862448.4), dbSNP rs1057519882, ClinGen allele CA464100106.

ClinVar aggregate classification (germline): Uncertain significance (1 of 4 stars; one submission).

Conditions:
Familial melanoma. Also called: Hereditary melanoma; Hereditary cutaneous melanoma. Identifiers: Orphanet 618, MedGen C1512419, MONDO:0018961.

Submissions (2):

Labcorp Genetics (formerly Invitae), Labcorp
Classification: Uncertain significance for Familial melanoma. Last evaluated: 2024-04-15. Review status: criteria provided, single submitter. Criteria: Invitae Variant Classification Sherloc (09022015). Collection method: clinical testing. Allele origin: germline.
Comment: This sequence change affects codon 50 of the CDKN2A (p16INK4a) mRNA. It is a 'silent' change, meaning that it does not change the encoded amino acid sequence of the CDKN2A (p16INK4a) protein. This variant also falls at the last nucleotide of exon 1, which is part of the consensus splice site for this exon. This variant is not present in population databases (gnomAD no frequency). This variant has not been reported in the literature in individuals affected with CDKN2A (p16INK4a)-related conditions. Variants that disrupt the consensus splice site are a relatively common cause of aberrant splicing (PMID: 17576681, 9536098). Algorithms developed to predict the effect of sequence changes on RNA splicing suggest that this variant may disrupt the consensus splice site. In summary, the available evidence is currently insufficient to determine the role of this variant in disease. Therefore, it has been classified as a Variant of Uncertain Significance.

Dr. Peter K. Rogan Lab, Western University
No classification provided (evidence only). Condition: Colon adenocarcinoma. Review status: no classification provided. Collection method: in vitro. Allele origin: not applicable. Functional consequence: retained intron. Not counted in ClinVar's aggregate classification.

Literature cited by the submitters: PubMed 17576681 (cited by Labcorp Genetics (formerly Invitae), Labcorp); PubMed 9536098 (cited by Labcorp Genetics (formerly Invitae), Labcorp).